The following is an entry in ClinVar:

ClinVar aggregate classification (germline): Uncertain significance (1 of 4 stars; one submission).

Conditions:
Hereditary cancer-predisposing syndrome. Also called: Hereditary Cancer Syndrome; Hereditary neoplastic syndrome; Neoplastic Syndromes, Hereditary; Tumor predisposition. Identifiers: Orphanet 140162, MedGen C0027672, MeSH D009386, MONDO:0015356.

Submission:

Ambry Genetics
Classification: Uncertain significance for Hereditary cancer-predisposing syndrome. Last evaluated: 2025-08-01. Review status: criteria provided, single submitter. Criteria: Ambry Variant Classification Scheme 2023. Collection method: clinical testing. Allele origin: germline.
Comment: The p.P386L variant (also known as c.1157C>T), located in coding exon 10 of the EGFR gene, results from a C to T substitution at nucleotide position 1157. The proline at codon 386 is replaced by leucine, an amino acid with similar properties. This amino acid position is conserved. In addition, this alteration is predicted to be tolerated by in silico analysis. Based on the available evidence, the clinical significance of this variant remains unclear.

NM_005228.5(EGFR):c.1157C>T (p.Pro386Leu)

Genes: EGFR (epidermal growth factor receptor; plus strand), LOC126860048 (P300/CBP strongly-dependent group 1 enhancer GRCh37_chr7:55223847-55225046; plus strand). Cytogenetic location: 7p11.2.
Variant type: single nucleotide variant.
Coding change: c.1157C>T on transcript NM_005228.5 (MANE Select); coding-DNA position 1157, C replaced by T.
Protein change: p.Pro386Leu; replaces proline 386 with leucine.
Molecular consequence: missense variant.
Genome position (GRCh38, 1-based): chr7:55,156,782, C>T. VCF-style: chr7-55156782-C-T. GRCh37 (hg19) VCF-style: chr7-55224475-C-T.
Other names: c.1022C>T, p.Pro341Leu (NM_001346897.2, NM_001346899.2); c.1157C>T, p.Pro386Leu (NM_001346898.2, NM_201282.2, NM_201283.2 and 1 more transcripts); c.998C>T, p.Pro333Leu (NM_001346900.2); c.356C>T, p.Pro119Leu (NM_001346941.2); short protein forms P119L, P333L, P341L, P386L.
Identifiers: ClinVar variation 4247321 (VCV004247321.1).